The following is an entry in ClinVar:

NM_001349253.2(SCN11A):c.1890G>A (p.Ala630=)

Gene: SCN11A (sodium voltage-gated channel alpha subunit 11; minus strand). Cytogenetic location: 3p22.2.
Variant type: single nucleotide variant.
Coding change: c.1890G>A on transcript NM_001349253.2 (MANE Select); coding-DNA position 1890, G replaced by A.
Protein change: p.Ala630=; no amino-acid change (alanine 630 retained).
Molecular consequence: synonymous variant.
Genome position (GRCh38, 1-based): chr3:38,900,026, C>T on the plus strand (G>A on the coding strand, the complement: SCN11A is on the minus strand). VCF-style: chr3-38900026-C-T. GRCh37 (hg19) VCF-style: chr3-38941517-C-T.
Other names: c.1890G>A, p.Ala630= (NM_014139.3).
Identifiers: ClinVar variation 4986808 (VCV004986808.1).

ClinVar aggregate classification (germline): Likely benign (1 of 4 stars; one submission).

Conditions:
SCN11A-related disorder. Also called: SCN11A-related condition.

gnomAD v4.1: 17 of 1,613,918 alleles (0.0011%); highest among the groups gnomAD compares: Middle Eastern, 0.017%; no homozygotes.

Submission:

PreventionGenetics, part of Exact Sciences
Classification: Likely benign for SCN11A-related condition. Last evaluated: 2026-08-19. Review status: criteria provided, single submitter. Criteria: ACMG Guidelines, 2015. Collection method: clinical testing. Allele origin: germline.
Comment: This variant is classified as likely benign based on ACMG/AMP sequence variant interpretation guidelines (Richards et al. 2015 PMID: 25741868, with internal and published modifications).